The following is an entry in ClinVar:

NM_001032283.3(TMPO):c.565+1026A>G

Gene: TMPO (thymopoietin; plus strand). Cytogenetic location: 12q23.1.
Variant type: single nucleotide variant.
Coding change: c.565+1026A>G on transcript NM_001032283.3 (MANE Select); 1026 bases into the intron after coding-DNA position 565, A replaced by G.
Molecular consequence: intron variant. On other transcripts: missense variant (1).
Genome position (GRCh38, 1-based): chr12:98,532,864, A>G. VCF-style: chr12-98532864-A-G. GRCh37 (hg19) VCF-style: chr12-98926642-A-G.
Other names: c.607A>G, p.Ile203Val (NM_003276.2); c.565+1026A>G (NM_001307975.2, NM_001032284.3); short protein forms I203V.
Identifiers: ClinVar variation 1061073 (VCV001061073.11), dbSNP rs1447801243, ClinGen allele CA386151434.
Genomic context (GRCh38, chr12:98,532,864, plus strand): 5'-GCCTCTTTTGCCTCTACAGGAAAGAAGAAAGAACACAAGAAAGTGAAGTCCACTAGGGAT[A>G]TTGTTCCTTTTTCTGAACTTGGAACTACTCCCTCTGGTGGTGGATTTTTTCAGGGTATTT-3'

ClinVar aggregate classification (germline): Uncertain significance. Review status: criteria provided, multiple submitters, no conflicts (2 of 4 stars). 2 submissions from 2 submitters: Uncertain significance (2). Last evaluated 2022-10-23.

Conditions:
Loeys-Dietz syndrome 2 (LDS2). Also called: TGFBR2-Related Loeys-Dietz Syndrome; Marfan Syndrome type 2; Marfan like connective tissue disorder; MFS 2; Marfan syndrome, type 2 (formerly); AORTIC ANEURYSM, FAMILIAL THORACIC 3. Identifiers: Orphanet 284973, Orphanet 558, MedGen C2674574, MONDO:0012427, OMIM 610168.

Allele frequency attached by ClinVar (database versions not stated): gnomAD exomes below 0.00001; TOPMed 0.00002.
gnomAD v4.1: 2 of 1,614,144 alleles (0.00012%); highest among the groups gnomAD compares: Non-Finnish European, 0.00017%; no homozygotes.

Submissions (2):

Labcorp Genetics (formerly Invitae), Labcorp
Classification: Uncertain significance for Loeys-Dietz syndrome 2. Last evaluated: 2022-10-23. Review status: criteria provided, single submitter. Criteria: Invitae Variant Classification Sherloc (09022015). Collection method: clinical testing. Allele origin: germline.
Comment: ClinVar contains an entry for this variant (Variation ID: 1061073). In summary, the available evidence is currently insufficient to determine the role of this variant in disease. Therefore, it has been classified as a Variant of Uncertain Significance. Advanced modeling of protein sequence and biophysical properties (such as structural, functional, and spatial information, amino acid conservation, physicochemical variation, residue mobility, and thermodynamic stability) performed at Invitae indicates that this missense variant is not expected to disrupt TMPO protein function. This variant has not been reported in the literature in individuals affected with TMPO-related conditions. This variant is present in population databases (no rsID available, gnomAD 0.0009%). This sequence change replaces isoleucine, which is neutral and non-polar, with valine, which is neutral and non-polar, at codon 203 of the TMPO protein (p.Ile203Val).

Ambry Genetics
Classification: Uncertain significance. Last evaluated: 2022-09-26. Review status: criteria provided, single submitter. Criteria: Ambry Variant Classification Scheme 2023. Collection method: clinical testing. Allele origin: germline.
Comment: The p.I203V variant (also known as c.607A>G), located in coding exon 4 of the TMPO gene, results from an A to G substitution at nucleotide position 607. The isoleucine at codon 203 is replaced by valine, an amino acid with highly similar properties. This amino acid position is conserved. In addition, this alteration is predicted to be tolerated by in silico analysis. Since supporting evidence is limited at this time, the clinical significance of this alteration remains unclear.